The following is an entry in ClinVar:

ClinVar aggregate classification (germline): Conflicting classifications of pathogenicity. Review status: criteria provided, conflicting classifications (1 of 4 stars). 7 submissions from 7 submitters: Uncertain significance (2); Likely benign (5). Last evaluated 2026-01-15.

Conditions:
TECTA-related disorder. Also called: TECTA-related condition.
Nonsyndromic genetic hearing loss. Also called: Nonsyndromic hearing loss and deafness; Nonsyndromic genetic deafness; Non-syndromic genetic deafness. Identifiers: Orphanet 87884, MedGen C5680182, MONDO:0019497.
Autosomal dominant nonsyndromic hearing loss 12. Also called: DEAFNESS, AUTOSOMAL DOMINANT 8. Identifiers: Orphanet 90635, MedGen C1832187, MONDO:0011102, OMIM 601543.

Allele frequency attached by ClinVar (database versions not stated): gnomAD 0.00011 and 0.00015; TOPMed 0.00026; 1000 Genomes Project 30x 0.00031; 1000 Genomes Project 0.00040.
gnomAD v4.1: 182 of 1,614,186 alleles (0.011%); highest among the groups gnomAD compares: East Asian, 0.3%; 1 homozygote.

Submissions (7):

Labcorp Genetics (formerly Invitae), Labcorp
Classification: Likely benign. Last evaluated: 2026-01-15. Review status: criteria provided, single submitter. Criteria: Invitae Variant Classification Sherloc (09022015). Collection method: clinical testing. Allele origin: germline.

PreventionGenetics, part of Exact Sciences
Classification: Likely benign for TECTA-related condition. Last evaluated: 2025-03-26. Review status: criteria provided, single submitter. Criteria: ACMG Guidelines, 2015. Collection method: clinical testing. Allele origin: germline.
Comment: This variant is classified as likely benign based on ACMG/AMP sequence variant interpretation guidelines (Richards et al. 2015 PMID: 25741868, with internal and published modifications).

CeGaT Center for Human Genetics Tuebingen
Classification: Uncertain significance. Last evaluated: 2024-11-01. Review status: criteria provided, single submitter. Criteria: CeGaT Center For Human Genetics Tuebingen Variant Classification Criteria Version 2. Collection method: clinical testing. Allele origin: germline. Affected: yes. Observed: 1 variant allele.
Comment: TECTA: PM2

Blueprint Genetics
Classification: Likely benign. Last evaluated: 2023-05-31. Review status: criteria provided, single submitter. Criteria: ACMG Guidelines, 2015. Collection method: clinical testing. Allele origin: germline.

GeneDx
Classification: Uncertain significance. Last evaluated: 2021-08-03. Review status: criteria provided, single submitter. Criteria: GeneDx Variant Classification Process June 2021. Collection method: clinical testing. Allele origin: germline. Affected: yes.
Comment: Identified in a patient with hearing loss in published literature who also harbored a variant in the POU4F3 gene which the authors considered to be causative; the TECTA variant was observed in unaffected family members (He et al., 2016); In silico analysis, which includes protein predictors and evolutionary conservation, supports that this variant does not alter protein structure/function; This variant is associated with the following publications: (PMID: 21520338, 31554319, 9590290, 16718611, 28053790)

Victorian Clinical Genetics Services, Murdoch Childrens Research Institute
Classification: Likely benign for Nonsyndromic genetic hearing loss. Last evaluated: 2020-10-19. Review status: criteria provided, single submitter. Criteria: ACMG Guidelines, 2015. Collection method: clinical testing. Allele origin: germline. Affected: yes.
Comment: Based on the classification scheme VCGS_Germline_v1.1.1, this variant is classified as 2-Likely benign. Following criteria are met: 0102 - Loss-of-function is a known mechanism of disease for this gene. However, dominant negative has been suggested as a mechanism of disease for missense variants in this gene (OMIM). (N) 0108 - This gene is known to be associated with both recessive and dominant disease. This gene is associated with autosomal dominant and recessive deafness (OMIM). (N) 0200 - Variant is predicted to result in a missense amino acid change from valine to methionine (exon 17). (N) 0251 - Variant is heterozygous. (N) 0302 - Variant is present in gnomAD <0.001 for a dominant condition (v2: 104 Heterozygotes, 1 Homozygote). (P) 0309 - An alternative amino acid change at the same position has been observed in gnomAD (v2: 1 Heterozygotes, 0 Homozygote). (N) 0502 - Missense variant with conflicting in silico predictions and uninformative conservation. (N) 0600 - Variant is located in an annotated domain or motif. This variant is in the Zona pellucida domain (NCBI conserved domain). (N) 0705 - No comparable variants have previous evidence for pathogenicity. (N) 0806 - Moderate previous evidence of neutrality in unrelated individuals. This variant was reported in one individual with autosomal dominant nonsyndromic hearing loss but did not segregate with other affected family members (PMID: 28053790). (B) 1007 - No published functional evidence has been identified for this variant. (N) 1208 - Inheritance information for this variant is not currently available. (N) Legend: (P) - Pathogenic, (N) - Neutral, (B) - Benign

Genetic Testing Center for Deafness, Department of Otolaryngology Head & Neck Surgery, Institute of Otolaryngology, Chinese PLA General Hospital
Classification: Likely benign for Autosomal dominant nonsyndromic hearing loss 12. Review status: criteria provided, single submitter. Criteria: ClinGen HL ACMG Specifications v1. Collection method: case-control. Allele origin: maternal. Affected: no. Observed: 2 variant alleles.

Literature cited by the submitters: PubMed 28053790 (cited by Victorian Clinical Genetics Services, Murdoch Childrens Research Institute).

NM_005422.4(TECTA):c.5488G>A (p.Val1830Met)

Genes: TBCEL-TECTA (TBCEL-TECTA readthrough; plus strand), TECTA (tectorin alpha; plus strand). Cytogenetic location: 11q23.3.
Variant type: single nucleotide variant.
Coding change: c.5488G>A on transcript NM_005422.4 (MANE Select); coding-DNA position 5488, G replaced by A.
Protein change: p.Val1830Met; replaces valine 1830 with methionine.
Molecular consequence: missense variant.
Genome position (GRCh38, 1-based): chr11:121,166,682, G>A. VCF-style: chr11-121166682-G-A. GRCh37 (hg19) VCF-style: chr11-121037391-G-A.
Other names: c.6430G>A, p.Val2144Met (NM_001378761.1); short protein forms V1830M, V2144M.
Identifiers: ClinVar variation 689602 (VCV000689602.22), dbSNP rs189181502, ClinGen allele CA6327734.